The following is an entry in ClinVar:

ClinVar aggregate classification (germline): Uncertain significance. Review status: criteria provided, multiple submitters, no conflicts (2 of 4 stars). 3 submissions from 3 submitters: Uncertain significance (3). Last evaluated 2026-01-20.

Conditions:
Glycogen storage disease due to muscle beta-enolase deficiency (GSD13). Also called: ENOLASE 3 DEFICIENCY; ENOLASE-BETA DEFICIENCY; GSD XIII; Glycogen Storage Disease Type XIII. Identifiers: Orphanet 99849, MedGen C2752027, MONDO:0013046, OMIM 612932.

Allele frequency attached by ClinVar (database versions not stated): ExAC 0.00008; ESP Exome Variant Server 0.00008.
gnomAD v4.1: 51 of 1,613,524 alleles (0.0032%); highest among the groups gnomAD compares: Admixed American, 0.033%; no homozygotes.

Submissions (3):

Labcorp Genetics (formerly Invitae), Labcorp
Classification: Uncertain significance for Glycogen storage disease due to muscle beta-enolase deficiency. Last evaluated: 2026-01-20. Review status: criteria provided, single submitter. Criteria: Invitae Variant Classification Sherloc (09022015). Collection method: clinical testing. Allele origin: germline.
Comment: This sequence change affects a donor splice site in intron 9 of the ENO3 gene. It is expected to disrupt RNA splicing. Variants that disrupt the donor or acceptor splice site typically lead to a loss of protein function (PMID: 16199547), however the current clinical and genetic evidence is not sufficient to establish whether loss-of-function variants in ENO3 cause disease. This variant is present in population databases (rs374679936, gnomAD 0.05%). This variant has not been reported in the literature in individuals affected with ENO3-related conditions. ClinVar contains an entry for this variant (Variation ID: 2080152). Algorithms developed to predict the effect of sequence changes on RNA splicing suggest that this variant may disrupt the consensus splice site. In summary, the available evidence is currently insufficient to determine the role of this variant in disease. Therefore, it has been classified as a Variant of Uncertain Significance.

Women's Health and Genetics/Laboratory Corporation of America, LabCorp
Classification: Uncertain significance. Last evaluated: 2025-09-16. Review status: criteria provided, single submitter. Criteria: LabCorp Variant Classification Summary - May 2015. Collection method: clinical testing. Allele origin: germline.
Comment: Variant summary: ENO3 c.1067+1G>A is located in a canonical splice-site and is predicted to affect mRNA splicing resulting in a significantly altered protein due to either exon skipping, shortening, or inclusion of intronic material. Variants that disrupt the consensus splice site are a relatively common cause of aberrant splicing, however current evidence is not sufficient to establish loss of function as a mechanism for disease. Consensus agreement among computation tools predict no significant impact on normal splicing. However, these predictions have yet to be confirmed by functional studies. The variant allele was found at a frequency of 6.8e-05 in 250662 control chromosomes. This frequency is not significantly higher than estimated for disease-causing variants in ENO3, allowing no conclusion about variant significance. To our knowledge, no occurrence of c.1067+1G>A in individuals affected with ENO3-related conditions and no experimental evidence demonstrating its impact on protein function have been reported. ClinVar contains an entry for this variant (Variation ID: 2080152). Based on the evidence outlined above, the variant was classified as uncertain significance.

Blueprint Genetics
Classification: Uncertain significance. Last evaluated: 2019-11-15. Review status: criteria provided, single submitter. Criteria: ACMG Guidelines, 2015. Collection method: clinical testing. Allele origin: germline.

Literature cited by the submitters: PubMed 16199547 (cited by Labcorp Genetics (formerly Invitae), Labcorp).

NM_053013.4(ENO3):c.1067+1G>A

Gene: ENO3 (enolase 3; plus strand). Cytogenetic location: 17p13.2.
Variant type: single nucleotide variant.
Coding change: c.1067+1G>A on transcript NM_053013.4 (MANE Select); the canonical splice donor site of the intron after coding-DNA position 1067, G replaced by A.
Molecular consequence: splice donor variant.
Genome position (GRCh38, 1-based): chr17:4,956,144, G>A. VCF-style: chr17-4956144-G-A. GRCh37 (hg19) VCF-style: chr17-4859439-G-A.
Other names: c.1094+1G>A (NM_001374524.1); c.1067+1G>A (NM_001976.5, NM_001374523.1); c.938+1G>A (NM_001193503.2).
Identifiers: ClinVar variation 2080152 (VCV002080152.4), dbSNP rs374679936, ClinGen allele CA8316521.